The following is an entry in ClinVar:

NM_001378183.1(PIEZO2):c.1549_1550insC (p.Ser517fs)

Gene: PIEZO2 (piezo type mechanosensitive ion channel component 2; minus strand). Cytogenetic location: 18p11.22.
Variant type: Insertion.
Coding change: c.1549_1550insC on transcript NM_001378183.1 (MANE Select); coding-DNA positions 1549 to 1550, C inserted.
Protein change: p.Ser517fs; shifts the reading frame from serine 517.
Molecular consequence: frameshift variant.
Genome position: GRCh38 VCF-style: chr18-10794980-C-CG. GRCh37 (hg19) VCF-style: chr18-10794978-C-CG.
Other names: c.1549_1550insC, p.Ser517Thrfs (NM_001410871.1); c.1549_1550insC, p.Ser517fs (NM_022068.4); short protein forms S517fs.
Identifiers: ClinVar variation 1709561 (VCV001709561.1), dbSNP rs2510758244, ClinGen allele CA2580095445.

ClinVar aggregate classification (germline): Pathogenic (1 of 4 stars; one submission).

Conditions:
Arthrogryposis, distal, with impaired proprioception and touch (DAIPT). Identifiers: MedGen C4310692, MONDO:0014941, OMIM 617146.

Submission:

MGZ Medical Genetics Center
Classification: Pathogenic for Arthrogryposis, distal, with impaired proprioception and touch. Last evaluated: 2022-05-27. Review status: criteria provided, single submitter. Criteria: ACMG Guidelines, 2015. Collection method: clinical testing. Allele origin: germline. Affected: yes. Observed: 1 variant allele.
Comment: ACMG criteria applied: PVS1, PM3, PM2_SUP